The following is an entry in ClinVar:

ClinVar aggregate classification (germline): Uncertain significance. Review status: criteria provided, multiple submitters, no conflicts (2 of 4 stars). 2 submissions from 2 submitters: Uncertain significance (2). Last evaluated 2025-08-29.

gnomAD v4.1: 3 of 1,605,924 alleles (0.00019%); highest among the groups gnomAD compares: East Asian, 0.0067%; no homozygotes.

Submissions (2):

Ambry Genetics
Classification: Uncertain significance. Last evaluated: 2025-08-29. Review status: criteria provided, single submitter. Criteria: Ambry Variant Classification Scheme 2023. Collection method: clinical testing. Allele origin: germline.

Labcorp Genetics (formerly Invitae), Labcorp
Classification: Uncertain significance. Last evaluated: 2023-09-01. Review status: criteria provided, single submitter. Criteria: Invitae Variant Classification Sherloc (09022015). Collection method: clinical testing. Allele origin: germline.
Comment: In summary, the available evidence is currently insufficient to determine the role of this variant in disease. Therefore, it has been classified as a Variant of Uncertain Significance. Algorithms developed to predict the effect of sequence changes on RNA splicing suggest that this variant may disrupt the consensus splice site. An algorithm developed to predict the effect of missense changes on protein structure and function (PolyPhen-2) suggests that this variant is likely to be tolerated. This variant has not been reported in the literature in individuals affected with PLEKHM2-related conditions. The frequency data for this variant in the population databases is considered unreliable, as metrics indicate poor data quality at this position in the gnomAD database. This sequence change replaces glutamine, which is neutral and polar, with lysine, which is basic and polar, at codon 373 of the PLEKHM2 protein (p.Gln373Lys).

NM_015164.4(PLEKHM2):c.1117C>A (p.Gln373Lys)

Gene: PLEKHM2 (pleckstrin homology and RUN domain containing M2; plus strand). Cytogenetic location: 1p36.21.
Variant type: single nucleotide variant.
Coding change: c.1117C>A on transcript NM_015164.4 (MANE Select); coding-DNA position 1117, C replaced by A.
Protein change: p.Gln373Lys; replaces glutamine 373 with lysine.
Molecular consequence: missense variant.
Genome position (GRCh38, 1-based): chr1:15,727,189, C>A. VCF-style: chr1-15727189-C-A. GRCh37 (hg19) VCF-style: chr1-16053684-C-A.
Other names: c.1057C>A, p.Gln353Lys (NM_001410755.1); c.1117C>A (NM_015164.2); short protein forms Q353K, Q373K.
Identifiers: ClinVar variation 3013903 (VCV003013903.4), dbSNP rs778344771, ClinGen allele CA616864.